The following is an entry in ClinVar:

NM_015910.7(WDPCP):c.1216A>G (p.Met406Val)

Gene: WDPCP (WD repeat containing planar cell polarity effector; minus strand). Cytogenetic location: 2p15.
Variant type: single nucleotide variant.
Coding change: c.1216A>G on transcript NM_015910.7 (MANE Select); coding-DNA position 1216, A replaced by G.
Protein change: p.Met406Val; replaces methionine 406 with valine.
Molecular consequence: missense variant. On other transcripts: non-coding transcript variant (3).
Genome position (GRCh38, 1-based): chr2:63,404,267, T>C on the plus strand (A>G on the coding strand, the complement: WDPCP is on the minus strand). VCF-style: chr2-63404267-T-C. GRCh37 (hg19) VCF-style: chr2-63631402-T-C.
Other names: c.739A>G, p.Met247Val (NM_001042692.3); c.1144A>G, p.Met382Val (NM_001354044.2); c.1216A>G, p.Met406Val (NM_001354045.2); short protein forms M247V, M382V, M406V.
Identifiers: ClinVar variation 3354592 (VCV003354592.3).

ClinVar aggregate classification (germline): Uncertain significance. Review status: criteria provided, multiple submitters, no conflicts (2 of 4 stars). 3 submissions from 3 submitters: Uncertain significance (2). 1 of the submissions does not count toward it. Last evaluated 2024-08-09.

Conditions:
WDPCP-related disorder. Also called: WDPCP-related condition.
Heart defect - tongue hamartoma - polysyndactyly syndrome. Also called: Congenital heart defects, hamartomas of tongue, and polysyndactyly. Identifiers: Orphanet 1338, MedGen C1857587, MONDO:0009008, OMIM 217085.
Bardet-Biedl syndrome 15 (BBS15). Identifiers: Orphanet 110, MedGen C3150127, MONDO:0014443, OMIM 615992.

gnomAD v4.1: 3 of 1,613,988 alleles (0.00019%); highest among the groups gnomAD compares: Admixed American, 0.005%; no homozygotes.

Submissions (3):

Blueprint Genetics
Classification: Uncertain significance. Last evaluated: 2024-08-09. Review status: criteria provided, single submitter. Criteria: ACMG Guidelines, 2015. Collection method: clinical testing. Allele origin: germline.

Fulgent Genetics
Classification: Uncertain significance for Heart defect - tongue hamartoma - polysyndactyly syndrome; Bardet-Biedl syndrome 15. Last evaluated: 2024-05-12. Review status: criteria provided, single submitter. Criteria: ACMG Guidelines, 2015. Collection method: clinical testing. Allele origin: germline.

PreventionGenetics, part of Exact Sciences
Classification: Uncertain significance for WDPCP-related condition. Last evaluated: 2023-11-22. Review status: no assertion criteria provided. Collection method: clinical testing. Allele origin: germline. Not counted in ClinVar's aggregate classification.
Comment: The WDPCP c.1216A>G variant is predicted to result in the amino acid substitution p.Met406Val. To our knowledge, this variant has not been reported in the literature. This variant is reported in 0.0087% of alleles in individuals of Latino descent in gnomAD. At this time, the clinical significance of this variant is uncertain due to the absence of conclusive functional and genetic evidence.